The following is an entry in ClinVar:

NM_024577.4(SH3TC2):c.*16257T>C

Gene: SH3TC2 (SH3 domain and tetratricopeptide repeats 2; minus strand). Cytogenetic location: 5q32.
Variant type: single nucleotide variant.
Coding change: c.*16257T>C on transcript NM_024577.4 (MANE Select); 16257 bases downstream of the stop codon, T replaced by C.
Molecular consequence: 3 prime UTR variant.
Genome position (GRCh38, 1-based): chr5:148,988,454, A>G on the plus strand (T>C on the coding strand, the complement: SH3TC2 is on the minus strand). VCF-style: chr5-148988454-A-G. GRCh37 (hg19) VCF-style: chr5-148368017-A-G.
Identifiers: ClinVar variation 351640 (VCV000351640.5), dbSNP rs572081330, ClinGen allele CA10623134.

ClinVar aggregate classification (germline): Conflicting classifications of pathogenicity. Review status: criteria provided, conflicting classifications (1 of 4 stars). 2 submissions from 1 submitter: Uncertain significance (1); Likely benign (1). Last evaluated 2018-01-12.

Conditions:
Charcot-Marie-Tooth disease type 4C (CMT4C). Also called: CHARCOT-MARIE-TOOTH DISEASE, DEMYELINATING, AUTOSOMAL RECESSIVE, TYPE 4C; CMT 4C; Charcot-Marie-Tooth Neuropathy Type 4C (CMT4C); CHARCOT-MARIE-TOOTH DISEASE, DEMYELINATING, TYPE 4C; SH3TC2-Related Hereditary Motor and Sensory Neuropathy. Identifiers: Orphanet 99949, MedGen C1866636, MONDO:0011113, OMIM 601596.
Susceptibility to mononeuropathy of the median nerve, mild. Also called: CARPAL TUNNEL SYNDROME, SUSCEPTIBILITY TO. Identifiers: MedGen C3150596, MONDO:0013237, OMIM 613353.

Allele frequency attached by ClinVar (database versions not stated): gnomAD 0.00002 and 0.00019; TOPMed 0.00004; 1000 Genomes Project 30x 0.00094; 1000 Genomes Project 0.00100.
gnomAD v4.1: 29 of 152,330 alleles (0.019%); highest among the groups gnomAD compares: South Asian, 0.54%; no homozygotes.

Submissions (2):

Illumina Laboratory Services, Illumina
Classification: Likely benign for Susceptibility to mononeuropathy of the median nerve, mild. Last evaluated: 2018-01-12. Review status: criteria provided, single submitter. Criteria: ICSL Variant Classification Criteria 13 December 2019. Collection method: clinical testing. Allele origin: germline.
Comment: This variant was observed in the ICSL laboratory as part of a predisposition screen in an ostensibly healthy population. It had not been previously curated by ICSL or reported in the Human Gene Mutation Database (HGMD: prior to June 1st, 2018), and was therefore a candidate for classification through an automated scoring system. Utilizing variant allele frequency, disease prevalence and penetrance estimates, and inheritance mode, an automated score was calculated to assess if this variant is too frequent to cause the disease. Based on the score and internal cut-off values, a variant classified as likely benign is not then subjected to further curation. The score for this variant resulted in a classification of likely benign for this disease.

Illumina Laboratory Services, Illumina
Classification: Uncertain significance for Charcot-Marie-Tooth disease type 4C. Last evaluated: 2018-01-12. Review status: criteria provided, single submitter. Criteria: ICSL Variant Classification Criteria 13 December 2019. Collection method: clinical testing. Allele origin: germline.